The following is an entry in ClinVar:

NC_000019.9:g.(?_13418576)_(13419362_?)del

Gene: CACNA1A (calcium voltage-gated channel subunit alpha1 A; minus strand). Cytogenetic location: 19p13.2.
Variant type: Deletion.
Identifiers: ClinVar variation 2423753 (VCV002423753.6).

ClinVar aggregate classification (germline): Pathogenic (1 of 4 stars; one submission).

Conditions:
Episodic ataxia type 2 (EA2). Also called: ATAXIA, EPISODIC, WITH NYSTAGMUS; ATAXIA, FAMILIAL PAROXYSMAL; CEREBELLAR ATAXIA, PAROXYSMAL, ACETAZOLAMIDE-RESPONSIVE; CEREBELLOPATHY, HEREDITARY PAROXYSMAL; EPISODIC ATAXIA, NYSTAGMUS-ASSOCIATED; ACETAZOLAMIDE-RESPONSIVE HEREDITARY PAROXYSMAL CEREBELLAR ATAXIA. Identifiers: Orphanet 97, MedGen C1720416, MONDO:0007163, OMIM 108500.
Developmental and epileptic encephalopathy, 42 (DEE42A). Also called: DEVELOPMENTAL AND EPILEPTIC ENCEPHALOPATHY 42A; EPILEPTIC ENCEPHALOPATHY, EARLY INFANTILE, 42A; Epileptic encephalopathy, early infantile, 42. Identifiers: MedGen C4310716, MONDO:0014917, OMIM 617106.

Submission:

Labcorp Genetics (formerly Invitae), Labcorp
Classification: Pathogenic for Developmental and epileptic encephalopathy, 42; Episodic ataxia type 2. Last evaluated: 2023-10-13. Review status: criteria provided, single submitter. Criteria: Invitae Variant Classification Sherloc (09022015). Collection method: clinical testing. Allele origin: germline.
Comment: This variant is a gross deletion of the genomic region encompassing exon(s) 13-15 of the CACNA1A gene. This variant would be expected to be in-frame, preserving the integrity of the reading frame. This variant has not been reported in the literature in individuals affected with CACNA1A-related conditions. This variant disrupts a region of the CACNA1A protein in which other variant(s) (p.Arg583Gln) have been determined to be pathogenic (PMID: 10734061, 12707077, 20837964, 24498617, 26814174). This suggests that this is a clinically significant region of the protein, and that variants that disrupt it are likely to be disease-causing. For these reasons, this variant has been classified as Pathogenic.

Literature cited by the submitters: PubMed 10734061; PubMed 12707077; PubMed 20837964; PubMed 24498617; PubMed 26814174.